The following is an entry in ClinVar:

ClinVar aggregate classification (germline): Benign/Likely benign. Review status: criteria provided, multiple submitters, no conflicts (2 of 4 stars). 5 submissions from 5 submitters: Benign (1); Likely benign (4). Last evaluated 2025-12-24.

Conditions:
Sclerosteosis 2 (SOST2). Identifiers: Orphanet 3152, MedGen C3280402, MONDO:0013679, OMIM 614305.
Cenani-Lenz syndactyly syndrome. Also called: SYNDACTYLY, TYPE VII; CENANI SYNDACTYLISM. Identifiers: Orphanet 3258, MedGen C1859309, MONDO:0008931, OMIM 212780.
Congenital myasthenic syndrome 17. Identifiers: Orphanet 590, MedGen C4225377, MONDO:0014578, OMIM 616304.

Allele frequency attached by ClinVar (database versions not stated): gnomAD exomes 0.00009 and 0.00021; ExAC 0.00027; gnomAD 0.00076; 1000 Genomes Project 0.00080; TOPMed 0.00083; ESP Exome Variant Server 0.00085; 1000 Genomes Project 30x 0.00094.
gnomAD v4.1: 252 of 1,613,930 alleles (0.016%); highest among the groups gnomAD compares: African/African-American, 0.25%; no homozygotes.

Submissions (5):

Labcorp Genetics (formerly Invitae), Labcorp
Classification: Benign for Cenani-Lenz syndactyly syndrome; Sclerosteosis 2; Congenital myasthenic syndrome 17. Last evaluated: 2025-12-24. Review status: criteria provided, single submitter. Criteria: Invitae Variant Classification Sherloc (09022015). Collection method: clinical testing. Allele origin: germline.

Mayo Clinic Laboratories, Mayo Clinic
Classification: Likely benign. Last evaluated: 2025-05-16. Review status: criteria provided, single submitter. Criteria: ACMG Guidelines, 2015. Collection method: clinical testing. Allele origin: germline. Observed: 2 variant alleles.
Comment: BS1, BP4, BP7

Blueprint Genetics
Classification: Likely benign. Last evaluated: 2024-08-28. Review status: criteria provided, single submitter. Criteria: ACMG Guidelines, 2015. Collection method: clinical testing. Allele origin: germline.

CeGaT Center for Human Genetics Tuebingen
Classification: Likely benign. Last evaluated: 2022-03-01. Review status: criteria provided, single submitter. Criteria: CeGaT Center For Human Genetics Tuebingen Variant Classification Criteria Version 2. Collection method: clinical testing. Allele origin: germline. Affected: yes. Observed: 1 variant allele.
Comment: LRP4: BP4, BP7

Fulgent Genetics
Classification: Likely benign for Cenani-Lenz syndactyly syndrome; Sclerosteosis 2; Congenital myasthenic syndrome 17. Last evaluated: 2021-10-08. Review status: criteria provided, single submitter. Criteria: ACMG Guidelines, 2015. Collection method: clinical testing. Allele origin: unknown.

NM_002334.4(LRP4):c.387C>T (p.Cys129=)

Gene: LRP4 (LDL receptor related protein 4; minus strand). Cytogenetic location: 11p11.2.
Variant type: single nucleotide variant.
Coding change: c.387C>T on transcript NM_002334.4 (MANE Select); coding-DNA position 387, C replaced by T.
Protein change: p.Cys129=; no amino-acid change (cysteine 129 retained).
Molecular consequence: synonymous variant.
Genome position (GRCh38, 1-based): chr11:46,899,906, G>A on the plus strand (C>T on the coding strand, the complement: LRP4 is on the minus strand). VCF-style: chr11-46899906-G-A. GRCh37 (hg19) VCF-style: chr11-46921457-G-A.
Other names: p.Cys129=.
Identifiers: ClinVar variation 705290 (VCV000705290.36), dbSNP rs80333596, ClinGen allele CA5970519.